The following is an entry in ClinVar:

NM_000548.5(TSC2):c.358A>T (p.Arg120Ter)

Gene: TSC2 (TSC complex subunit 2; plus strand). Cytogenetic location: 16p13.3.
Variant type: single nucleotide variant.
Coding change: c.358A>T on transcript NM_000548.5 (MANE Select); coding-DNA position 358, A replaced by T.
Protein change: p.Arg120Ter; replaces arginine 120 with a stop codon.
Molecular consequence: nonsense. On other transcripts: intron variant (1).
Genome position (GRCh38, 1-based): chr16:2,054,317, A>T. VCF-style: chr16-2054317-A-T. GRCh37 (hg19) VCF-style: chr16-2104318-A-T.
Other names: c.358A>T, p.Arg120Ter (NM_001077183.3, NM_001114382.3, NM_001363528.2 and 3 more transcripts); c.247A>T, p.Arg83Ter (NM_001318827.2); c.211A>T, p.Arg71Ter (NM_001318829.2); c.391A>T, p.Arg131Ter (NM_001318832.2); c.-1-1879A>T (NM_001318831.2); short protein forms R120*, R131*, R71*, R83*.
Identifiers: ClinVar variation 429805 (VCV000429805.9), dbSNP rs1131691602, ClinGen allele CA394306592.

ClinVar aggregate classification (germline): Pathogenic. Review status: criteria provided, multiple submitters, no conflicts (2 of 4 stars). 3 submissions from 3 submitters: Pathogenic (3). Last evaluated 2024-10-16.

Conditions:
Tuberous sclerosis 2 (TSC2). Identifiers: Orphanet 805, MedGen C1860707, MONDO:0013199, OMIM 613254.

Submissions (3):

Labcorp Genetics (formerly Invitae), Labcorp
Classification: Pathogenic for Tuberous sclerosis 2. Last evaluated: 2024-10-16. Review status: criteria provided, single submitter. Criteria: Invitae Variant Classification Sherloc (09022015). Collection method: clinical testing. Allele origin: germline.
Comment: This sequence change creates a premature translational stop signal (p.Arg120*) in the TSC2 gene. It is expected to result in an absent or disrupted protein product. Loss-of-function variants in TSC2 are known to be pathogenic (PMID: 10205261, 17304050). This variant is not present in population databases (gnomAD no frequency). This variant has not been reported in the literature in individuals affected with TSC2-related conditions. ClinVar contains an entry for this variant (Variation ID: 429805). For these reasons, this variant has been classified as Pathogenic.

Genome-Nilou Lab
Classification: Pathogenic for Tuberous sclerosis 2. Last evaluated: 2021-11-07. Review status: criteria provided, single submitter. Criteria: ACMG Guidelines, 2015. Collection method: clinical testing. Allele origin: germline. Affected: no.

GeneDx
Classification: Pathogenic. Last evaluated: 2015-09-04. Review status: criteria provided, single submitter. Criteria: GeneDx Variant Classification (06012015). Collection method: clinical testing. Allele origin: germline. Affected: yes.
Comment: The R120X nonsense variant in the TSC2 gene is predicted to cause loss of normal protein function either through protein truncation or nonsense-mediated mRNA decay. It was not observed in approximately 6,500 individuals of European and African American ancestry in the NHLBI Exome Sequencing Project, indicating it is not a common benign variant in these populations. Although this variant has not been reported previously to our knowledge, we interpret it as pathogenic.

Literature cited by the submitters: PubMed 10205261 (cited by Labcorp Genetics (formerly Invitae), Labcorp); PubMed 17304050 (cited by Labcorp Genetics (formerly Invitae), Labcorp).